The following is an entry in ClinVar:

ClinVar aggregate classification (germline): Pathogenic (1 of 4 stars; one submission).

Conditions:
Hereditary cancer-predisposing syndrome. Also called: Hereditary neoplastic syndrome; Tumor predisposition; Hereditary Cancer Syndrome; Neoplastic Syndromes, Hereditary. Identifiers: Orphanet 140162, MedGen C0027672, MeSH D009386, MONDO:0015356.

Submission:

GeneKor MSA
Classification: Pathogenic for Hereditary cancer-predisposing syndrome. Last evaluated: 2020-01-01. Review status: criteria provided, single submitter. Criteria: ACMG Guidelines, 2015. Collection method: clinical testing. Allele origin: germline.
Comment: This variant causing a frameshift after codon 1746 and this creates a premature translational stop signal 37 amino acid residues later. This is expected to result in an absent or disrupted protein product. Truncating variants in BRCA1 are known to be pathogenic (PMID: 20104584). This variant has been described in the international literature in an individual undergoing panel testing for hereditary syndrome (PMID: 31159747).

NM_007294.4(BRCA1):c.5194-10_5236dup

Gene: BRCA1 (BRCA1 DNA repair associated; minus strand). Cytogenetic location: 17q21.31.
Variant type: Duplication.
Coding change: c.5194-10_5236dup on transcript NM_007294.4 (MANE Select); 10 bases into the intron before coding-DNA position 5194 through coding-DNA position 5236, 53 bases duplicated.
Molecular consequence: splice acceptor variant.
Genome position (GRCh38, 1-based): chr17:43,057,093-43,057,145, 53 bases duplicated. GRCh37 (hg19): chr17:41,209,110-41,209,162.
Other names: c.5194-10_5236dupTTTCTTTCAGCATGATTTTGAAGTCAGAGGAGATGTGGTCAATGGAAGAAACC (NM_007294.3); c.1741-10_1783dup (NM_001408458.1, NM_001408461.1, NM_001408464.1 and 7 more transcripts); c.4303-10_4345dup (NM_001407967.1); c.4813-10_4855dup (NM_001407959.1); c.4927-10_4969dup (NM_001407931.1, NM_001407932.1, NM_001407928.1 and 4 more transcripts); c.5050-10_5092dup (NM_001407747.1, NM_001407745.1, NM_001407737.1 and 21 more transcripts); c.4810-10_4852dup (NM_001407962.1, NM_001407960.1); c.1381-10_1423dup (NM_001408512.1); and 73 more.
Identifiers: ClinVar variation 495094 (VCV000495094.3), dbSNP rs1555576921, ClinGen allele CA658684094.